The following is an entry in ClinVar:

ClinVar aggregate classification (germline): Uncertain significance (1 of 4 stars; one submission).

Allele frequency attached by ClinVar (database versions not stated): gnomAD exomes below 0.00001.
gnomAD v4.1: 1 of 1,207,441 alleles (0.000083%); highest among the groups gnomAD compares: Non-Finnish European, 0.00011%; no homozygotes.

Submission:

Labcorp Genetics (formerly Invitae), Labcorp
Classification: Uncertain significance. Last evaluated: 2023-01-28. Review status: criteria provided, single submitter. Criteria: Invitae Variant Classification Sherloc (09022015). Collection method: clinical testing. Allele origin: germline.
Comment: This variant has not been reported in the literature in individuals affected with DDX3X-related conditions. This variant is not present in population databases (gnomAD no frequency). This sequence change replaces arginine, which is basic and polar, with cysteine, which is neutral and slightly polar, at codon 587 of the DDX3X protein (p.Arg587Cys). Algorithms developed to predict the effect of missense changes on protein structure and function are either unavailable or do not agree on the potential impact of this missense change (SIFT: "Deleterious"; PolyPhen-2: "Not Available"; Align-GVGD: "Class C15"). In summary, the available evidence is currently insufficient to determine the role of this variant in disease. Therefore, it has been classified as a Variant of Uncertain Significance.

NM_001356.5(DDX3X):c.1759C>T (p.Arg587Cys)

Gene: DDX3X (DEAD-box helicase 3 X-linked; plus strand). Cytogenetic location: Xp11.4.
Variant type: single nucleotide variant.
Coding change: c.1759C>T on transcript NM_001356.5 (MANE Select); coding-DNA position 1759, C replaced by T.
Protein change: p.Arg587Cys; replaces arginine 587 with cysteine.
Molecular consequence: missense variant. On other transcripts: non-coding transcript variant (1).
Genome position (GRCh38, 1-based): chrX:41,347,002, C>T. VCF-style: chrX-41347002-C-T. GRCh37 (hg19) VCF-style: chrX-41206255-C-T.
Other names: c.1759C>T, p.Arg587Cys (NM_001193416.3); c.1711C>T, p.Arg571Cys (NM_001193417.3); c.1201C>T, p.Arg401Cys (NM_001363819.1); short protein forms R571C, R401C, R587C.
Identifiers: ClinVar variation 2832591 (VCV002832591.3), dbSNP rs2519525924, ClinGen allele CA412778319.